The following is an entry in ClinVar:

ClinVar aggregate classification (germline): Conflicting classifications of pathogenicity. Review status: criteria provided, conflicting classifications (1 of 4 stars). 2 submissions from 2 submitters: Uncertain significance (1); Likely benign (1). Last evaluated 2025-06-27.

Conditions:
Inborn genetic diseases. Identifiers: MedGen C0950123, MeSH D030342.

gnomAD v4.1: 7 of 1,599,006 alleles (0.00044%); highest among the groups gnomAD compares: African/African-American, 0.0013%; no homozygotes.

Submissions (2):

Women's Health and Genetics/Laboratory Corporation of America, LabCorp
Classification: Uncertain significance. Last evaluated: 2025-06-27. Review status: criteria provided, single submitter. Criteria: LabCorp Variant Classification Summary - May 2015. Collection method: clinical testing. Allele origin: germline.
Comment: Variant summary: PKD1 c.1327G>A (p.Ala443Thr) results in a non-conservative amino acid change in the encoded protein sequence. Algorithms developed to predict the effect of missense changes on protein structure and function are either unavailable or do not agree on the potential impact of this missense change. The variant allele was found at a frequency of 5.2e-06 in 192656 control chromosomes. The available data on variant occurrences in the general population are insufficient to allow any conclusion about variant significance. To our knowledge, no occurrence of c.1327G>A in individuals affected with PKD1-related conditions and no experimental evidence demonstrating its impact on protein function have been reported. No submitters have cited clinical-significance assessments for this variant to ClinVar. Based on the evidence outlined above, the variant was classified as uncertain significance.

Ambry Genetics
Classification: Likely benign for Inborn genetic diseases. Last evaluated: 2025-06-13. Review status: criteria provided, single submitter. Criteria: Ambry Variant Classification Scheme 2023. Collection method: clinical testing. Allele origin: germline.

NM_001009944.3(PKD1):c.1327G>A (p.Ala443Thr)

Gene: PKD1 (polycystin 1, transient receptor potential channel interacting; minus strand). Cytogenetic location: 16p13.3.
Variant type: single nucleotide variant.
Coding change: c.1327G>A on transcript NM_001009944.3 (MANE Select); coding-DNA position 1327, G replaced by A.
Protein change: p.Ala443Thr; replaces alanine 443 with threonine.
Molecular consequence: missense variant.
Genome position (GRCh38, 1-based): chr16:2,117,547, C>T on the plus strand (G>A on the coding strand, the complement: PKD1 is on the minus strand). VCF-style: chr16-2117547-C-T. GRCh37 (hg19) VCF-style: chr16-2167548-C-T.
Other names: c.1327G>A, p.Ala443Thr (NM_000296.4); c.1327G>A (NM_000296.3); short protein forms A443T.
Identifiers: ClinVar variation 3907291 (VCV003907291.2).